The following is an entry in ClinVar:

NM_001371986.1(UNC80):c.3463A>C (p.Ser1155Arg)

Gene: UNC80 (unc-80 subunit of NALCN channel complex; plus strand). Cytogenetic location: 2q34.
Variant type: single nucleotide variant.
Coding change: c.3463A>C on transcript NM_001371986.1 (MANE Select); coding-DNA position 3463, A replaced by C.
Protein change: p.Ser1155Arg; replaces serine 1155 with arginine.
Molecular consequence: missense variant.
Genome position (GRCh38, 1-based): chr2:209,849,459, A>C. VCF-style: chr2-209849459-A-C. GRCh37 (hg19) VCF-style: chr2-210714183-A-C.
Other names: c.3469A>C, p.Ser1157Arg (NM_032504.2); c.3454A>C, p.Ser1152Arg (NM_182587.4); short protein forms S1155R, S1157R, S1152R.
Identifiers: ClinVar variation 1504059 (VCV001504059.6), dbSNP rs981665097, ClinGen allele CA350734658.

ClinVar aggregate classification (germline): Uncertain significance (1 of 4 stars; one submission).

Submission:

Labcorp Genetics (formerly Invitae), Labcorp
Classification: Uncertain significance. Last evaluated: 2021-04-12. Review status: criteria provided, single submitter. Criteria: Invitae Variant Classification Sherloc (09022015). Collection method: clinical testing. Allele origin: germline.
Comment: In summary, the available evidence is currently insufficient to determine the role of this variant in disease. Therefore, it has been classified as a Variant of Uncertain Significance. Algorithms developed to predict the effect of missense changes on protein structure and function are either unavailable or do not agree on the potential impact of this missense change (SIFT: "Not Available"; PolyPhen-2: "Benign"; Align-GVGD: "Not Available"). This variant has not been reported in the literature in individuals with UNC80-related conditions. This variant is not present in population databases (ExAC no frequency). This sequence change replaces serine with arginine at codon 1157 of the UNC80 protein (p.Ser1157Arg). The serine residue is weakly conserved and there is a moderate physicochemical difference between serine and arginine.